The following is an entry in ClinVar:

ClinVar aggregate classification (germline): Uncertain significance (1 of 4 stars; one submission).

Submission:

Labcorp Genetics (formerly Invitae), Labcorp
Classification: Uncertain significance. Last evaluated: 2022-06-29. Review status: criteria provided, single submitter. Criteria: Invitae Variant Classification Sherloc (09022015). Collection method: clinical testing. Allele origin: germline.
Comment: In summary, the available evidence is currently insufficient to determine the role of this variant in disease. Therefore, it has been classified as a Variant of Uncertain Significance. Algorithms developed to predict the effect of missense changes on protein structure and function are either unavailable or do not agree on the potential impact of this missense change (SIFT: "Not Available"; PolyPhen-2: "Possibly Damaging"; Align-GVGD: "Not Available"). This variant has not been reported in the literature in individuals affected with CFD-related conditions. This variant is present in population databases (no rsID available, gnomAD 0.09%). This sequence change replaces serine, which is neutral and polar, with isoleucine, which is neutral and non-polar, at codon 3 of the CFD protein (p.Ser3Ile).

NM_001928.4(CFD):c.8_9delinsTT (p.Ser3Ile)

Gene: CFD (complement factor D; plus strand). Cytogenetic location: 19p13.3.
Variant type: Indel.
Coding change: c.8_9delinsTT on transcript NM_001928.4 (MANE Select); coding-DNA positions 8 to 9, GC replaced by TT.
Protein change: p.Ser3Ile; replaces serine 3 with isoleucine.
Molecular consequence: missense variant.
Genome position (GRCh38, 1-based): chr19:859,697-859,698, GC replaced by TT. VCF-style: chr19-859697-GC-TT. GRCh37 (hg19) VCF-style: chr19-859697-GC-TT.
Other names: c.8_9delinsTT, p.Ser3Ile (NM_001317335.2); short protein forms S3I.
Identifiers: ClinVar variation 1945960 (VCV001945960.5), dbSNP rs2512174464, ClinGen allele CA2580096977.